The following is an entry in ClinVar:

NM_007294.4(BRCA1):c.3206A>C (p.Gln1069Pro)

Gene: BRCA1 (BRCA1 DNA repair associated; minus strand). Cytogenetic location: 17q21.31.
Variant type: single nucleotide variant.
Coding change: c.3206A>C on transcript NM_007294.4 (MANE Select); coding-DNA position 3206, A replaced by C.
Protein change: p.Gln1069Pro; replaces glutamine 1069 with proline.
Molecular consequence: missense variant. On other transcripts: intron variant (137).
Genome position (GRCh38, 1-based): chr17:43,092,325, T>G on the plus strand (A>C on the coding strand, the complement: BRCA1 is on the minus strand). VCF-style: chr17-43092325-T-G. GRCh37 (hg19) VCF-style: chr17-41244342-T-G.
Other names: c.2996A>C, p.Gln999Pro (NM_001407902.1, NM_001407904.1, NM_001407910.1 and 13 more transcripts); c.2993A>C, p.Gln998Pro (NM_001407915.1, NM_001407571.1, NM_001407853.1 and 9 more transcripts); c.3206A>C, p.Gln1069Pro (NM_001407581.1, NM_001407582.1, NM_001407583.1 and 30 more transcripts); c.3203A>C, p.Gln1068Pro (NM_001407587.1, NM_001407590.1, NM_001407591.1 and 22 more transcripts); c.3197A>C, p.Gln1066Pro (NM_001407646.1, NM_001407647.1); c.3083A>C, p.Gln1028Pro (NM_001407648.1, NM_001407664.1, NM_001407665.1 and 19 more transcripts); c.3080A>C, p.Gln1027Pro (NM_001407649.1, NM_001407670.1, NM_001407671.1 and 11 more transcripts); c.3128A>C, p.Gln1043Pro (NM_001407653.1, NM_001407654.1, NM_001407655.1 and 4 more transcripts); and 41 more; short protein forms Q1069P, Q1022P, Q1002P, Q1043P, Q773P, Q957P, Q998P, Q1001P.
Identifiers: ClinVar variation 246204 (VCV000246204.14), dbSNP rs879254151, ClinGen allele CA10584562.

ClinVar aggregate classification (germline): Conflicting classifications of pathogenicity. Review status: criteria provided, conflicting classifications (1 of 4 stars). 4 submissions from 4 submitters: Uncertain significance (2); Likely benign (2). Last evaluated 2023-03-23.

Conditions:
Hereditary cancer-predisposing syndrome. Also called: Hereditary neoplastic syndrome; Neoplastic Syndromes, Hereditary; Tumor predisposition; Hereditary Cancer Syndrome. Identifiers: Orphanet 140162, MedGen C0027672, MeSH D009386, MONDO:0015356.
Hereditary breast ovarian cancer syndrome. Also called: Hereditary breast and ovarian cancer syndrome (HBOC); Hereditary breast and ovarian cancer; Hereditary breast and ovarian cancer syndrome; Breast and ovarian cancer; Hereditary breast and/or ovarian cancer syndrome; BRCA1- and BRCA2-Associated Hereditary Breast and Ovarian Cancer. Identifiers: Orphanet 145, MedGen C0677776, MeSH D061325, MONDO:0003582. Disease mechanism: loss of function.

Submissions (4):

University of Washington Department of Laboratory Medicine, University of Washington
Classification: Likely benign for Hereditary cancer-predisposing syndrome. Last evaluated: 2023-03-23. Review status: criteria provided, single submitter. Criteria: Dines et al. (Genet Med. 2020). Collection method: curation. Allele origin: germline.
Comment: Missense variant in a coldspot region where missense variants are very unlikely to be pathogenic (PMID:31911673).

BRCA1 coldspot (exon 11 using historical exon numbering). Reclassification based on statistical prior probability

Ambry Genetics
Classification: Uncertain significance for Hereditary cancer-predisposing syndrome. Last evaluated: 2023-02-03. Review status: criteria provided, single submitter. Criteria: Ambry Variant Classification Scheme 2023. Collection method: clinical testing. Allele origin: germline.
Comment: The p.Q1069P variant (also known as c.3206A>C), located in coding exon 9 of the BRCA1 gene, results from an A to C substitution at nucleotide position 3206. The glutamine at codon 1069 is replaced by proline, an amino acid with similar properties. This amino acid position is well conserved in available vertebrate species. In addition, the in silico prediction for this alteration is inconclusive. Since supporting evidence is limited at this time, the clinical significance of this alteration remains unclear.

Labcorp Genetics (formerly Invitae), Labcorp
Classification: Uncertain significance for Hereditary breast ovarian cancer syndrome. Last evaluated: 2016-10-09. Review status: criteria provided, single submitter. Criteria: Invitae Variant Classification Sherloc (09022015). Collection method: clinical testing. Allele origin: germline.
Comment: Algorithms developed to predict the effect of missense changes on protein structure and function output the following: (SIFT: "Tolerated"; PolyPhen-2: "Benign"; Align-GVGD: "Class C0"). The proline amino acid residue is found in multiple mammalian species, suggesting that this missense change does not adversely affect protein function. These predictions have not been confirmed by published functional studies. In summary, this variant is a rare missense change that is not predicted to affect protein function. There is no indication that it causes disease, but the available evidence is currently insufficient to prove that conclusively. Therefore, it has been classified as a Variant of Uncertain Significance. This variant is not present in population databases (ExAC no frequency) and has not been reported in the literature in individuals with a BRCA1-related disease. ClinVar contains an entry for this variant (Variation ID: 246204). This sequence change replaces glutamine with proline at codon 1069 of the BRCA1 protein (p.Gln1069Pro). The glutamine residue is moderately conserved and there is a moderate physicochemical difference between glutamine and proline.

GeneDx
Classification: Likely benign. Last evaluated: 2015-12-08. Review status: criteria provided, single submitter. Criteria: GeneDx Variant Classification (06012015). Collection method: clinical testing. Allele origin: germline. Affected: yes.
Comment: This variant is considered likely benign or benign based on one or more of the following criteria: it is a conservative change, it occurs at a poorly conserved position in the protein, it is predicted to be benign by multiple in silico algorithms, and/or has population frequency not consistent with disease.